The following is an entry in ClinVar:

NM_002354.3(EPCAM):c.910G>A (p.Glu304Lys)

Gene: EPCAM (epithelial cell adhesion molecule; plus strand). Cytogenetic location: 2p21.
Variant type: single nucleotide variant.
Coding change: c.910G>A on transcript NM_002354.3 (MANE Select); coding-DNA position 910, G replaced by A.
Protein change: p.Glu304Lys; replaces glutamic acid 304 with lysine.
Molecular consequence: missense variant.
Genome position (GRCh38, 1-based): chr2:47,386,578, G>A. VCF-style: chr2-47386578-G-A. GRCh37 (hg19) VCF-style: chr2-47613717-G-A.
Other names: short protein forms E304K.
Identifiers: ClinVar variation 2566637 (VCV002566637.2), dbSNP rs2103770791, ClinGen allele CA346725929.

ClinVar aggregate classification (germline): Uncertain significance (1 of 4 stars; one submission).

Conditions:
Hereditary cancer-predisposing syndrome. Also called: Hereditary neoplastic syndrome; Hereditary Cancer Syndrome; Neoplastic Syndromes, Hereditary; Tumor predisposition. Identifiers: Orphanet 140162, MedGen C0027672, MeSH D009386, MONDO:0015356.

Submission:

Ambry Genetics
Classification: Uncertain significance for Hereditary cancer-predisposing syndrome. Last evaluated: 2023-05-21. Review status: criteria provided, single submitter. Criteria: Ambry Variant Classification Scheme 2023. Collection method: clinical testing. Allele origin: germline.
Comment: The p.E304K variant (also known as c.910G>A), located in coding exon 9 of the EPCAM gene, results from a G to A substitution at nucleotide position 910. The glutamic acid at codon 304 is replaced by lysine, an amino acid with similar properties. This amino acid position is conserved. In addition, the in silico prediction for this alteration is inconclusive. Since supporting evidence is limited at this time, the clinical significance of this alteration remains unclear.